The following is an entry in ClinVar:

NM_004183.4(BEST1):c.886A>G (p.Asn296Asp)

Gene: BEST1 (bestrophin 1; plus strand). Cytogenetic location: 11q12.3.
Variant type: single nucleotide variant.
Coding change: c.886A>G on transcript NM_004183.4 (MANE Select); coding-DNA position 886, A replaced by G.
Protein change: p.Asn296Asp; replaces asparagine 296 with aspartic acid.
Molecular consequence: missense variant. On other transcripts: synonymous variant (1), non-coding transcript variant (1), intron variant (1).
Genome position (GRCh38, 1-based): chr11:61,959,516, A>G. VCF-style: chr11-61959516-A-G. GRCh37 (hg19) VCF-style: chr11-61726988-A-G.
Other names: c.706A>G, p.Asn236Asp (NM_001139443.3, NM_001300787.2); c.568A>G, p.Asn190Asp (NM_001363591.3); c.1089A>G, p.Ser363= (NM_001363592.2); c.-87A>G (NM_001363593.3); c.688-376A>G (NM_001300786.2); short protein forms N190D, N296D, N236D.
Identifiers: ClinVar variation 2137120 (VCV002137120.5), dbSNP rs281865254, ClinGen allele CA380843743.

ClinVar aggregate classification (germline): Pathogenic/Likely pathogenic. Review status: criteria provided, multiple submitters, no conflicts (2 of 4 stars). 2 submissions from 2 submitters: Pathogenic (1); Likely pathogenic (1). Last evaluated 2022-02-20.

Conditions:
BEST1-related disorder. Also called: BEST1-related condition; BEST1-related disorders. Identifiers: MedGen CN239200.

Submissions (2):

Labcorp Genetics (formerly Invitae), Labcorp
Classification: Pathogenic. Last evaluated: 2022-02-20. Review status: criteria provided, single submitter. Criteria: Invitae Variant Classification Sherloc (09022015). Collection method: clinical testing. Allele origin: germline.
Comment: This variant is not present in population databases (gnomAD no frequency). For these reasons, this variant has been classified as Pathogenic. This variant disrupts the p.Asn296 amino acid residue in BEST1. Other variant(s) that disrupt this residue have been determined to be pathogenic (PMID: 10798642, 11241846, 27031371; Invitae). This suggests that this residue is clinically significant, and that variants that disrupt this residue are likely to be disease-causing. Advanced modeling of protein sequence and biophysical properties (such as structural, functional, and spatial information, amino acid conservation, physicochemical variation, residue mobility, and thermodynamic stability) performed at Invitae indicates that this missense variant is expected to disrupt BEST1 protein function. This variant is also known as 974A>G. This missense change has been observed in individuals with autosomal dominant Best vitelliform macular dystrophy (PMID: 17296903, 31519547). This sequence change replaces asparagine, which is neutral and polar, with aspartic acid, which is acidic and polar, at codon 296 of the BEST1 protein (p.Asn296Asp).

Blueprint Genetics
Classification: Likely pathogenic for BEST1-related disorders. Last evaluated: 2019-07-05. Review status: criteria provided, single submitter. Criteria: ACMG Guidelines, 2015. Collection method: clinical testing. Allele origin: germline. Affected: yes. Observed: 1 variant allele.

Literature cited by the submitters: PubMed 10798642 (cited by Labcorp Genetics (formerly Invitae), Labcorp); PubMed 11241846 (cited by Labcorp Genetics (formerly Invitae), Labcorp); PubMed 27031371 (cited by Labcorp Genetics (formerly Invitae), Labcorp); PubMed 17296903 (cited by Labcorp Genetics (formerly Invitae), Labcorp); PubMed 31519547 (cited by Labcorp Genetics (formerly Invitae), Labcorp).